The following is an entry in ClinVar:

ClinVar aggregate classification (germline): Conflicting classifications of pathogenicity. Review status: criteria provided, conflicting classifications (1 of 4 stars). 2 submissions from 2 submitters: Likely pathogenic (1); Uncertain significance (1). Last evaluated 2026-04-14.

Conditions:
Familial intrahepatic cholestasis. Identifiers: Orphanet 284385, MedGen CN296401, MONDO:0017290.

Submissions (2):

Genomenon, Inc
Classification: Uncertain significance for Familial intrahepatic cholestasis. Last evaluated: 2026-04-14. Review status: criteria provided, single submitter. Criteria: Genomenon Sequence Variant Interpretation Standards - Updated. Collection method: curation. Allele origin: germline. Affected: yes.
Comment: ABCB4 p.Pro726Thr (c.2176C>A) is a missense variant that changes the amino acid at residue 726 from Proline to Threonine. This variant has been observed in at least one proband with an ABCB4-related disorder (PMID:21119540). It has been observed in trans with a pathogenic or likely pathogenic variant (PMID:21119540). It is absent or not present at a significant frequency in gnomAD. In silico models predict that this variant is possibly or probably damaging. In conclusion, we classify ABCB4 p.Pro726Thr (c.2176C>A) as a variant of uncertain significance.

Dasa
Classification: Likely pathogenic. Last evaluated: 2025-10-15. Review status: criteria provided, single submitter. Criteria: DASA Assertion Criteria. Collection method: clinical testing. Allele origin: germline.
Comment: NM_000443.4(ABCB4):c.2176C>A (p.Pro726Thr) is a missense variant that results in the substitution of proline with threonine. The affected residue or protein region has prior evidence supporting clinical relevance. This variant has been reported in individuals with ABCB4-related disorders (PMID: 21119540). Also, this variant is absent from population databases. Computational evidence supports a deleterious effect. Based on the currently available evidence, this variant is classified as likely pathogenic.

Literature cited by the submitters: PubMed 21119540 (cited by Genomenon, Inc and Dasa).

NM_000443.4(ABCB4):c.2176C>A (p.Pro726Thr)

Gene: ABCB4 (ATP binding cassette subfamily B member 4; minus strand). Cytogenetic location: 7q21.12.
Variant type: single nucleotide variant.
Coding change: c.2176C>A on transcript NM_000443.4 (MANE Select); coding-DNA position 2176, C replaced by A.
Protein change: p.Pro726Thr; replaces proline 726 with threonine.
Molecular consequence: missense variant.
Genome position (GRCh38, 1-based): chr7:87,423,941, G>T on the plus strand (C>A on the coding strand, the complement: ABCB4 is on the minus strand). VCF-style: chr7-87423941-G-T. GRCh37 (hg19) VCF-style: chr7-87053257-G-T.
Other names: c.2176C>A, p.Pro726Thr (NM_018849.3, NM_018850.3); short protein forms P726T.
Identifiers: ClinVar variation 4846571 (VCV004846571.3).